The following is an entry in ClinVar:

ClinVar aggregate classification (germline): Uncertain significance (1 of 4 stars; one submission).

Conditions:
Hereditary breast ovarian cancer syndrome. Also called: Hereditary breast and ovarian cancer; Hereditary breast and/or ovarian cancer syndrome; Hereditary breast and ovarian cancer syndrome; Hereditary breast and ovarian cancer syndrome (HBOC); Breast and ovarian cancer; BRCA1- and BRCA2-Associated Hereditary Breast and Ovarian Cancer. Identifiers: Orphanet 145, MedGen C0677776, MeSH D061325, MONDO:0003582. Disease mechanism: loss of function.

Submission:

Labcorp Genetics (formerly Invitae), Labcorp
Classification: Uncertain significance for Hereditary breast ovarian cancer syndrome. Last evaluated: 2021-08-14. Review status: criteria provided, single submitter. Criteria: Invitae Variant Classification Sherloc (09022015). Collection method: clinical testing. Allele origin: germline.
Comment: This sequence change replaces aspartic acid with glutamic acid at codon 3341 of the BRCA2 protein (p.Asp3341Glu). The aspartic acid residue is highly conserved and there is a small physicochemical difference between aspartic acid and glutamic acid. This variant is not present in population databases (ExAC no frequency). This variant has not been reported in the literature in individuals affected with BRCA2-related conditions. Advanced modeling of protein sequence and biophysical properties (such as structural, functional, and spatial information, amino acid conservation, physicochemical variation, residue mobility, and thermodynamic stability) performed at Invitae indicates that this missense variant is not expected to disrupt BRCA2 protein function. In summary, the available evidence is currently insufficient to determine the role of this variant in disease. Therefore, it has been classified as a Variant of Uncertain Significance.

NM_000059.4(BRCA2):c.10023C>G (p.Asp3341Glu)

Gene: BRCA2 (BRCA2 DNA repair associated; plus strand). Cytogenetic location: 13q13.1.
Variant type: single nucleotide variant.
Coding change: c.10023C>G on transcript NM_000059.4 (MANE Select); coding-DNA position 10023, C replaced by G.
Protein change: p.Asp3341Glu; replaces aspartic acid 3341 with glutamic acid.
Molecular consequence: missense variant.
Genome position (GRCh38, 1-based): chr13:32,398,536, C>G. VCF-style: chr13-32398536-C-G. GRCh37 (hg19) VCF-style: chr13-32972673-C-G.
Other names: short protein forms D3341E.
Identifiers: ClinVar variation 1374862 (VCV001374862.6), dbSNP rs113507014, ClinGen allele CA387767742.